The following is an entry in ClinVar:

ClinVar aggregate classification (germline): Uncertain significance. Review status: criteria provided, multiple submitters, no conflicts (2 of 4 stars). 2 submissions from 2 submitters: Uncertain significance (2). Last evaluated 2026-01-11.

Allele frequency attached by ClinVar (database versions not stated): gnomAD exomes 0.00003.

Submissions (2):

Labcorp Genetics (formerly Invitae), Labcorp
Classification: Uncertain significance. Last evaluated: 2026-01-11. Review status: criteria provided, single submitter. Criteria: Invitae Variant Classification Sherloc (09022015). Collection method: clinical testing. Allele origin: germline.
Comment: This sequence change replaces valine, which is neutral and non-polar, with isoleucine, which is neutral and non-polar, at codon 25 of the ICOSLG protein (p.Val25Ile). This variant is present in population databases (rs200235698, gnomAD 0.02%). This variant has not been reported in the literature in individuals affected with ICOSLG-related conditions. ClinVar contains an entry for this variant (Variation ID: 1418982). An algorithm developed to predict the effect of missense changes on protein structure and function outputs the following: PolyPhen-2: "Possibly Damaging". The isoleucine amino acid residue is found in multiple mammalian species, which suggests that this missense change does not adversely affect protein function. In summary, the available evidence is currently insufficient to determine the role of this variant in disease. Therefore, it has been classified as a Variant of Uncertain Significance.

Ambry Genetics
Classification: Uncertain significance. Last evaluated: 2025-05-21. Review status: criteria provided, single submitter. Criteria: Ambry Variant Classification Scheme 2023. Collection method: clinical testing. Allele origin: germline.

NM_015259.6(ICOSLG):c.73G>A (p.Val25Ile)

Gene: ICOSLG (inducible T cell costimulator ligand; minus strand). Cytogenetic location: 21q22.3.
Variant type: single nucleotide variant.
Coding change: c.73G>A on transcript NM_015259.6 (MANE Select); coding-DNA position 73, G replaced by A.
Protein change: p.Val25Ile; replaces valine 25 with isoleucine.
Molecular consequence: missense variant. On other transcripts: 5 prime UTR variant (1), intron variant (2).
Genome position (GRCh38, 1-based): chr21:44,237,200, C>T on the plus strand (G>A on the coding strand, the complement: ICOSLG is on the minus strand). VCF-style: chr21-44237200-C-T. GRCh37 (hg19) VCF-style: chr21-45657083-C-T.
Other names: c.73G>A (NM_015259.4); c.73G>A, p.Val25Ile (NM_001283050.2); c.-9G>A (NM_001365759.2); c.55+1248G>A (NM_001283051.2); c.-48-135G>A (NM_001283052.2); short protein forms V25I.
Identifiers: ClinVar variation 1418982 (VCV001418982.8), dbSNP rs200235698, ClinGen allele CA321498498.